The following is an entry in ClinVar:

ClinVar aggregate classification (germline): Pathogenic. Review status: criteria provided, multiple submitters, no conflicts (2 of 4 stars). 13 submissions from 13 submitters: Pathogenic (11). 2 of the submissions do not count toward it. Last evaluated 2026-08-10.

Conditions:
Familial thoracic aortic aneurysm and aortic dissection (TAAD). Also called: Thoracic aortic aneurysms and dissections. Identifiers: Orphanet 91387, MedGen C4707243, MONDO:0019625.
Marfan syndrome (MFS). Also called: MARFAN SYNDROME, TYPE I; Marfan syndrome type 1; Marfan's syndrome; Marfan syndrome, classic; FBN1-Related Marfan Syndrome. Identifiers: Orphanet 284963, Orphanet 558, MedGen C0024796, MONDO:0007947, OMIM 154700.
Geleophysic dysplasia 2 (GPHYSD2). Identifiers: Orphanet 2623, MedGen C3280054, MONDO:0013612, OMIM 614185.
FBN1-related disorder. Also called: FBN1-related disorders.

Allele frequency attached by ClinVar (database versions not stated): ExAC 0.00001; gnomAD 0.00001; 1000 Genomes Project 30x 0.00016.
gnomAD v4.1: 1 of 1,613,184 alleles (0.000062%); highest among the groups gnomAD compares: African/African-American, 0.0013%; no homozygotes.

Submissions (13):

Ambry Genetics
Classification: Pathogenic for Familial thoracic aortic aneurysm and aortic dissection. Last evaluated: 2026-08-10. Review status: criteria provided, single submitter. Criteria: Ambry Variant Classification Scheme 2023. Collection method: clinical testing. Allele origin: germline.
Comment: The c.5284G>A (p.G1762S) alteration is located in exon 43 (coding exon 42) of the FBN1 gene. This alteration results from a G to A substitution at nucleotide position 5284, causing the glycine (G) at amino acid position 1762 to be replaced by a serine (S). for FBN1-related acromelic dysplasias; however, its clinical significance for Marfan syndrome and related fibrillinopathies and Marfan lipodystrophy syndrome is uncertain. The Genome Aggregation Database (gnomAD) data for this variant is unreliable due to technical and/or biological issues; therefore, population frequency estimates were not considered. The c.5284G>A alteration has been previously reported as a recurrent de novo in multiple unrelated individuals with geleophysic dysplasia and acromelic dysplasia (Fan, 2021; Le Goff, 2011; Sun, 2020). Additionally, this alteration has been observed in heterozygous state in multiple other related and unrelated individuals with geleophysic and acromelic dysplasia (Cheng, 2018; Klein, 2014; Le Goff, 2011; Maddirevula, 2018; Marzin, 2021; Piccolo, 2019; Verberne, 2022). This amino acid position is highly conserved in available vertebrate species. Functional analysis by Jensen et al. (2015) demonstrated that the p.G1762S alteration resulted in normal or near normal protein secretion, consistent with other alterations associated with geleophysic dysplasia. This alteration is predicted to be deleterious by in silico analysis. Based on the available evidence, this alteration is classified as pathogenic.

3billion
Classification: Pathogenic for FBN1-related disorder. Last evaluated: 2025-11-28. Review status: criteria provided, single submitter. Criteria: ACMG Guidelines, 2015. Collection method: clinical testing. Allele origin: germline. Affected: yes.
Comment: The variant is observed at an extremely low frequency in the gnomAD v4.1.0 dataset (total allele frequency: <0.001%). Predicted Consequence/Location: Missense variant In silico tool predictions suggest damaging effect of the variant on gene or gene product [REVEL: 0.61 (>=0.6, sensitivity 0.68 and specificity 0.92)]. The same nucleotide change resulting in the same amino acid change has been previously reported as pathogenic/likely pathogenic with strong evidence (ClinVar ID: VCV000029697 /PMID: 21683322 /3billion dataset). The variant has been previously reported as assumed (i.e. paternity and maternity not confirmed) de novo in at least two similarly affected unrelated individuals (PMID: 21683322). Different missense changes at the same codon (p.Gly1762Cys, p.Gly1762Val) have been reported as pathogenic/likely pathogenic with strong evidence (ClinVar ID: VCV000392910, VCV001723869). Therefore, this variant is classified as Pathogenic according to the recommendation of ACMG/AMP guideline.

Labcorp Genetics (formerly Invitae), Labcorp
Classification: Pathogenic for Marfan syndrome; Familial thoracic aortic aneurysm and aortic dissection. Last evaluated: 2025-04-24. Review status: criteria provided, single submitter. Criteria: Invitae Variant Classification Sherloc (09022015). Collection method: clinical testing. Allele origin: germline.
Comment: This sequence change replaces glycine, which is neutral and non-polar, with serine, which is neutral and polar, at codon 1762 of the FBN1 protein (p.Gly1762Ser). This variant is not present in population databases (gnomAD no frequency). This missense change has been observed in individual(s) with geleophysic dysplasia (PMID: 21683322, 27935852, 29620724). In at least one individual the variant was observed to be de novo. ClinVar contains an entry for this variant (Variation ID: 29697). Invitae Evidence Modeling of protein sequence and biophysical properties (such as structural, functional, and spatial information, amino acid conservation, physicochemical variation, residue mobility, and thermodynamic stability) has been performed for this missense variant. However, the output from this modeling did not meet the statistical confidence thresholds required to predict the impact of this variant on FBN1 protein function. For these reasons, this variant has been classified as Pathogenic.

CeGaT Center for Human Genetics Tuebingen
Classification: Pathogenic. Last evaluated: 2024-09-01. Review status: criteria provided, single submitter. Criteria: CeGaT Center For Human Genetics Tuebingen Variant Classification Criteria Version 2. Collection method: clinical testing. Allele origin: germline. Affected: yes. Observed: 1 variant allele.
Comment: FBN1: PS2:Very Strong, PM1, PS4:Moderate, PP4

GeneDx
Classification: Pathogenic. Last evaluated: 2022-04-07. Review status: criteria provided, single submitter. Criteria: GeneDx Variant Classification Process June 2021. Collection method: clinical testing. Allele origin: germline. Affected: yes.
Comment: Not observed in large population cohorts (gnomAD); In silico analysis supports that this missense variant has a deleterious effect on protein structure/function; This variant is associated with the following publications: (PMID: 25525159, 25979247, 24339047, 21683322, 29191498, 27935852, 29620724, 31350823, 32005694, 33030311, 34006472, 33082559)

Pars Genome Lab
Classification: Pathogenic for Geleophysic dysplasia 2. Last evaluated: 2021-09-08. Review status: criteria provided, single submitter. Criteria: ACMG Guidelines, 2015. Collection method: clinical testing. Allele origin: de novo. Inheritance: Autosomal dominant inheritance. Affected: yes.

Institute of Medical Genetics and Applied Genomics, University Hospital Tübingen
Classification: Pathogenic. Last evaluated: 2020-10-23. Review status: criteria provided, single submitter. Criteria: ACMG Guidelines, 2015. Collection method: clinical testing. Allele origin: germline. Inheritance: Autosomal dominant inheritance. Affected: yes.

Blueprint Genetics
Classification: Pathogenic for FBN1-related disorders. Last evaluated: 2019-05-15. Review status: criteria provided, single submitter. Criteria: ACMG Guidelines, 2015. Collection method: clinical testing. Allele origin: germline. Affected: yes. Observed: 2 variant alleles.

Eurofins Ntd Llc (ga)
Classification: Pathogenic. Last evaluated: 2016-09-01. Review status: criteria provided, single submitter. Criteria: EGL Classification Definitions 2015. Collection method: clinical testing. Allele origin: germline. Observed: 1 variant allele, 1 heterozygote.

Programa de Pós-Graduação em Ciências Genômicas e Biotecnologia, Universidade Católica de Brasília
Classification: Pathogenic for Geleophysic dysplasia 2. Last evaluated: 2015-04-01. Review status: criteria provided, single submitter. Criteria: Submitter's publication. Collection method: research. Allele origin: germline. Affected: yes.

Suma Genomics
Classification: Pathogenic for Geleophysic dysplasia 2. Review status: criteria provided, single submitter. Criteria: ACMG Guidelines, 2015. Collection method: clinical testing. Allele origin: de novo. Inheritance: Autosomal dominant inheritance. Affected: yes.

Mustafa Tekin Lab, University Of Miami, Miller School Of Medicine
Classification: Pathogenic for Geleophysic dysplasia 2. Last evaluated: 2024-12-02. Review status: no assertion criteria provided. Collection method: research. Allele origin: germline. Affected: yes. Observed: 1 heterozygote. Not counted in ClinVar's aggregate classification.

OMIM
Classification: Pathogenic for GELEOPHYSIC DYSPLASIA 2. Last evaluated: 2018-01-04. Review status: no assertion criteria provided. Collection method: literature only. Allele origin: germline. Not counted in ClinVar's aggregate classification.

Literature cited by the submitters: PubMed 21683322 (cited by 3 submitters); PubMed 24339047 (cited by Ambry Genetics); PubMed 29191498 (cited by Ambry Genetics); PubMed 29620724 (cited by Ambry Genetics and Labcorp Genetics (formerly Invitae), Labcorp); PubMed 31350823 (cited by Ambry Genetics); PubMed 33030311 (cited by Ambry Genetics); PubMed 33082559 (cited by Ambry Genetics); PubMed 34006472 (cited by Ambry Genetics); PubMed 35253369 (cited by Ambry Genetics); PubMed 27935852 (cited by Labcorp Genetics (formerly Invitae), Labcorp); PubMed 1852206 (cited by OMIM); PubMed 25979247 (cited by OMIM).

NM_000138.5(FBN1):c.5284G>A (p.Gly1762Ser)

Gene: FBN1 (fibrillin 1; minus strand). Cytogenetic location: 15q21.1.
Variant type: single nucleotide variant.
Coding change: c.5284G>A on transcript NM_000138.5 (MANE Select); coding-DNA position 5284, G replaced by A.
Protein change: p.Gly1762Ser; replaces glycine 1762 with serine.
Molecular consequence: missense variant.
Genome position (GRCh38, 1-based): chr15:48,460,258, C>T on the plus strand (G>A on the coding strand, the complement: FBN1 is on the minus strand). VCF-style: chr15-48460258-C-T. GRCh37 (hg19) VCF-style: chr15-48752455-C-T.
Other names: short protein forms G1762S.
Identifiers: ClinVar variation 29697 (VCV000029697.39), dbSNP rs387906623, ClinGen allele CA015740.